The following is an entry in ClinVar:

NM_000282.4(PCCA):c.1220A>G (p.Lys407Arg)

Gene: PCCA (propionyl-CoA carboxylase subunit alpha; plus strand). Cytogenetic location: 13q32.3.
Variant type: single nucleotide variant.
Coding change: c.1220A>G on transcript NM_000282.4 (MANE Select); coding-DNA position 1220, A replaced by G.
Protein change: p.Lys407Arg; replaces lysine 407 with arginine.
Molecular consequence: missense variant. On other transcripts: non-coding transcript variant (5).
Genome position (GRCh38, 1-based): chr13:100,302,934, A>G. VCF-style: chr13-100302934-A-G. GRCh37 (hg19) VCF-style: chr13-100955188-A-G.
Other names: c.1142A>G, p.Lys381Arg (NM_001127692.3, NM_001352607.2); c.1220A>G, p.Lys407Arg (NM_001178004.2, NM_001352605.2, NM_001352609.2); c.1076A>G, p.Lys359Arg (NM_001352606.2); c.998A>G, p.Lys333Arg (NM_001352608.2); c.275A>G, p.Lys92Arg (NM_001352610.2, NM_001352611.2); c.131A>G, p.Lys44Arg (NM_001352612.2); short protein forms K44R, K92R, K333R, K359R, K381R, K407R.
Identifiers: ClinVar variation 1979818 (VCV001979818.1), dbSNP rs770270409, ClinGen allele CA7033548.

ClinVar aggregate classification (germline): Uncertain significance (1 of 4 stars; one submission).

Conditions:
Propionic acidemia (PROP). Also called: GLYCINEMIA, KETOTIC; HYPERGLYCINEMIA WITH KETOACIDOSIS AND LEUKOPENIA; KETOTIC HYPERGLYCINEMIA. Identifiers: Orphanet 35, MedGen C0268579, MONDO:0011628, OMIM 606054, HP:0003571.

Allele frequency attached by ClinVar (database versions not stated): gnomAD exomes below 0.00001; ExAC 0.00001; gnomAD 0.00001; TOPMed 0.00002.
gnomAD v4.1: 4 of 1,596,150 alleles (0.00025%); highest among the groups gnomAD compares: African/African-American, 0.0027%; no homozygotes.

Submission:

Labcorp Genetics (formerly Invitae), Labcorp
Classification: Uncertain significance for Propionic acidemia. Last evaluated: 2022-08-07. Review status: criteria provided, single submitter. Criteria: Invitae Variant Classification Sherloc (09022015). Collection method: clinical testing. Allele origin: germline.
Comment: This sequence change replaces lysine, which is basic and polar, with arginine, which is basic and polar, at codon 407 of the PCCA protein (p.Lys407Arg). This variant is present in population databases (rs770270409, gnomAD 0.004%). This variant has not been reported in the literature in individuals affected with PCCA-related conditions. Advanced modeling of protein sequence and biophysical properties (such as structural, functional, and spatial information, amino acid conservation, physicochemical variation, residue mobility, and thermodynamic stability) performed at Invitae indicates that this missense variant is not expected to disrupt PCCA protein function. Algorithms developed to predict the effect of sequence changes on RNA splicing suggest that this variant may create or strengthen a splice site. In summary, the available evidence is currently insufficient to determine the role of this variant in disease. Therefore, it has been classified as a Variant of Uncertain Significance.